The following is an entry in ClinVar:

NM_015100.4(POGZ):c.357A>G (p.Thr119=)

Gene: POGZ (pogo transposable element derived with ZNF domain; minus strand). Cytogenetic location: 1q21.3.
Variant type: single nucleotide variant.
Coding change: c.357A>G on transcript NM_015100.4 (MANE Select); coding-DNA position 357, A replaced by G.
Protein change: p.Thr119=; no amino-acid change (threonine 119 retained).
Molecular consequence: synonymous variant. On other transcripts: intron variant (1).
Genome position (GRCh38, 1-based): chr1:151,430,768, T>C on the plus strand (A>G on the coding strand, the complement: POGZ is on the minus strand). VCF-style: chr1-151430768-T-C. GRCh37 (hg19) VCF-style: chr1-151403244-T-C.
Other names: c.357A>G, p.Thr119= (NM_001194937.2); c.198A>G, p.Thr66= (NM_001194938.2, NM_207171.2); c.284-2355A>G (NM_145796.4).
Identifiers: ClinVar variation 587971 (VCV000587971.40), dbSNP rs145173739, ClinGen allele CA1091660.

ClinVar aggregate classification (germline): Benign/Likely benign. Review status: criteria provided, multiple submitters, no conflicts (2 of 4 stars). 7 submissions from 7 submitters: Benign (4); Likely benign (3). Last evaluated 2026-09-01.

Conditions:
Inborn genetic diseases. Identifiers: MedGen C0950123, MeSH D030342.
Intellectual disability-microcephaly-strabismus-behavioral abnormalities syndrome. Also called: White-Sutton Syndrome. Identifiers: Orphanet 468678, MedGen C4225351, MONDO:0014606, OMIM 616364.

Allele frequency attached by ClinVar (database versions not stated): 1000 Genomes Project 30x 0.00156; 1000 Genomes Project 0.00180; TOPMed 0.00516; gnomAD 0.00518 and 0.00547; gnomAD exomes 0.00526 and 0.00650; ExAC 0.00546; ESP Exome Variant Server 0.00561.

Submissions (7):

CeGaT Center for Human Genetics Tuebingen
Classification: Likely benign. Last evaluated: 2026-09-01. Review status: criteria provided, single submitter. Criteria: CeGaT Center For Human Genetics Tuebingen Variant Classification Criteria Version 2. Collection method: clinical testing. Allele origin: germline. Affected: yes. Observed: 32 variant alleles.
Comment: POGZ: BP4, BP7, BS2

Genome-Nilou Lab
Classification: Likely benign for Intellectual disability-microcephaly-strabismus-behavioral abnormalities syndrome. Last evaluated: 2023-04-11. Review status: criteria provided, single submitter. Criteria: ACMG Guidelines, 2015. Collection method: clinical testing. Allele origin: germline. Affected: no.

Fulgent Genetics
Classification: Likely benign for Intellectual disability-microcephaly-strabismus-behavioral abnormalities syndrome. Last evaluated: 2021-08-05. Review status: criteria provided, single submitter. Criteria: ACMG Guidelines, 2015. Collection method: clinical testing. Allele origin: unknown.

GeneDx
Classification: Benign. Last evaluated: 2020-11-02. Review status: criteria provided, single submitter. Criteria: GeneDx Variant Classification Process June 2021. Collection method: clinical testing. Allele origin: germline. Affected: yes.

Labcorp Genetics (formerly Invitae), Labcorp
Classification: Benign. Last evaluated: 2019-12-31. Review status: criteria provided, single submitter. Criteria: Invitae Variant Classification Sherloc (09022015). Collection method: clinical testing. Allele origin: germline.

Ambry Genetics
Classification: Benign for Inborn genetic diseases. Last evaluated: 2016-06-08. Review status: criteria provided, single submitter. Criteria: Ambry Variant Classification Scheme 2023. Collection method: clinical testing. Allele origin: germline.

Breakthrough Genomics
Classification: Benign. Review status: criteria provided, single submitter. Criteria: ACMG Guidelines, 2015. Collection method: not provided. Allele origin: germline. Inheritance: Autosomal dominant inheritance. Affected: yes.